The following is an entry in ClinVar:

NM_002693.3(POLG):c.3640C>G (p.Gln1214Glu)

Gene: POLG (DNA polymerase gamma, catalytic subunit; minus strand). Cytogenetic location: 15q26.1.
Variant type: single nucleotide variant.
Coding change: c.3640C>G on transcript NM_002693.3 (MANE Select); coding-DNA position 3640, C replaced by G.
Protein change: p.Gln1214Glu; replaces glutamine 1214 with glutamic acid.
Molecular consequence: missense variant.
Genome position (GRCh38, 1-based): chr15:89,317,379, G>C on the plus strand (C>G on the coding strand, the complement: POLG is on the minus strand). VCF-style: chr15-89317379-G-C. GRCh37 (hg19) VCF-style: chr15-89860610-G-C.
Other names: c.3640C>G, p.Gln1214Glu (NM_001126131.2); short protein forms Q1214E.
Identifiers: ClinVar variation 619344 (VCV000619344.1), dbSNP rs781256643, ClinGen allele CA7724075.

ClinVar aggregate classification (germline): Likely benign (1 of 4 stars; one submission).

Conditions:
Progressive sclerosing poliodystrophy (MTDPS4A). Also called: Alpers-Huttenlocher Syndrome (AHS); Alpers Syndrome; ALPERS PROGRESSIVE INFANTILE POLIODYSTROPHY; Mitochondrial DNA depletion syndrome 4A (Alpers type); ALPERS DIFFUSE DEGENERATION OF CEREBRAL GRAY MATTER WITH HEPATIC CIRRHOSIS; Alpers-Huttenlocher Syndrome. Identifiers: Orphanet 726, MedGen C0205710, MONDO:0008758, OMIM 203700.

Submission:

Wong Mito Lab, Molecular and Human Genetics, Baylor College of Medicine
Classification: Likely benign for Progressive sclerosing poliodystrophy. Last evaluated: 2018-10-01. Review status: criteria provided, single submitter. Criteria: ACMG Guidelines, 2015. Collection method: clinical testing. Allele origin: germline.
Comment: The NM_002693.2:c.3640C>G (NP_002684.1:p.Gln1214Glu) [GRCH38: NC_000015.10:g.89317379G>C] variant in POLG gene is interpretated to be a Likely Benign based on ACMG guidelines (PMID: 25741868). This variant meets the following evidence codes reported in the ACMG-guideline. BP4:Computational evidence/predictors indicate no impact on the POLG structure, function, or protein-protein interaction. BP6:Reputable source(s) without shared data suggest the variant is benign. Based on the evidence criteria codes applied, the variant is suggested to be Likely Benign.